The following is an entry in ClinVar:

ClinVar aggregate classification (germline): Benign. Review status: criteria provided, multiple submitters, no conflicts (2 of 4 stars). 3 submissions from 3 submitters: Benign (2). 1 of the submissions does not count toward it. Last evaluated 2019-12-31.

Conditions:
NRP2-related disorder. Also called: NRP2-related condition.

Allele frequency attached by ClinVar (database versions not stated): gnomAD exomes 0.00203 and 0.00541; ExAC 0.00679; gnomAD 0.02038 and 0.02194; 1000 Genomes Project 0.02177; TOPMed 0.02300; 1000 Genomes Project 30x 0.02342; ESP Exome Variant Server 0.02437.
gnomAD v4.1: 6,203 of 1,613,984 alleles (0.38%); highest among the groups gnomAD compares: African/African-American, 7%; 204 homozygotes.

Submissions (3):

Labcorp Genetics (formerly Invitae), Labcorp
Classification: Benign. Last evaluated: 2019-12-31. Review status: criteria provided, single submitter. Criteria: Invitae Variant Classification Sherloc (09022015). Collection method: clinical testing. Allele origin: germline.

Breakthrough Genomics
Classification: Benign. Review status: criteria provided, single submitter. Criteria: ACMG Guidelines, 2015. Collection method: not provided. Allele origin: germline. Inheritance: Unknown mechanism. Affected: yes.

PreventionGenetics, part of Exact Sciences
Classification: Benign for NRP2-related condition. Last evaluated: 2022-11-22. Review status: no assertion criteria provided. Collection method: clinical testing. Allele origin: germline. Not counted in ClinVar's aggregate classification.
Comment: This variant is classified as benign based on ACMG/AMP sequence variant interpretation guidelines (Richards et al. 2015 PMID: 25741868, with internal and published modifications).

NM_003872.3(NRP2):c.123C>T (p.Thr41=)

Gene: NRP2 (neuropilin 2; plus strand). Cytogenetic location: 2q33.3.
Variant type: single nucleotide variant.
Coding change: c.123C>T on transcript NM_003872.3 (MANE Select); coding-DNA position 123, C replaced by T.
Protein change: p.Thr41=; no amino-acid change (threonine 41 retained).
Molecular consequence: synonymous variant.
Genome position (GRCh38, 1-based): chr2:205,697,593, C>T. VCF-style: chr2-205697593-C-T. GRCh37 (hg19) VCF-style: chr2-206562317-C-T.
Other names: c.123C>T, p.Thr41= (NM_018534.4, NM_201264.2, NM_201266.2 and 2 more transcripts).
Identifiers: ClinVar variation 789973 (VCV000789973.7), dbSNP rs2228643, ClinGen allele CA2068694.
Genomic context (GRCh38, chr2:205,697,593, plus strand): 5'-TTCTCTTTCAGACCCACCGTGCGGAGGTCGTTTGAATTCCAAAGATGCTGGCTATATCAC[C>T]TCTCCCGGTTACCCCCAGGACTACCCCTCCCACCAGAACTGCGAGTGGATTGTTTACGCC-3'
Protein context (NP_003863.2, residues 31-51): RLNSKDAGYI[Thr41=]SPGYPQDYPS